The following is an entry in ClinVar:

NM_006231.4(POLE):c.3986T>C (p.Leu1329Pro)

Gene: POLE (DNA polymerase epsilon, catalytic subunit; minus strand). Cytogenetic location: 12q24.33.
Variant type: single nucleotide variant.
Coding change: c.3986T>C on transcript NM_006231.4 (MANE Select); coding-DNA position 3986, T replaced by C.
Protein change: p.Leu1329Pro; replaces leucine 1329 with proline.
Molecular consequence: missense variant.
Genome position (GRCh38, 1-based): chr12:132,649,325, A>G on the plus strand (T>C on the coding strand, the complement: POLE is on the minus strand). VCF-style: chr12-132649325-A-G. GRCh37 (hg19) VCF-style: chr12-133225911-A-G.
Other names: short protein forms L1329P.
Identifiers: ClinVar variation 3716770 (VCV003716770.2).
Genomic context (GRCh38, chr12:132,649,325, plus strand): 5'-TCAGCAGAGCCACTGCCCTCCCCTTGGATCAAGGTCTATACCTGCACAATCTGCCACGGA[A>G]GGTCCAGGATGCTGCGGGCAGTTCTTCGCAAGAAGCTCCCCAGCCCCGTGGCAGGACCAT-3'
Protein context (NP_006222.2, residues 1319-1339): LRRTARSILD[Leu1329Pro]PWQIVQISET

ClinVar aggregate classification (germline): Uncertain significance (1 of 4 stars; one submission).

Submission:

Labcorp Genetics (formerly Invitae), Labcorp
Classification: Uncertain significance. Last evaluated: 2024-11-15. Review status: criteria provided, single submitter. Criteria: Invitae Variant Classification Sherloc (09022015). Collection method: clinical testing. Allele origin: germline.
Comment: This sequence change replaces leucine, which is neutral and non-polar, with proline, which is neutral and non-polar, at codon 1329 of the POLE protein (p.Leu1329Pro). This variant is not present in population databases (gnomAD no frequency). This variant has not been reported in the literature in individuals affected with POLE-related conditions. Invitae Evidence Modeling of protein sequence and biophysical properties (such as structural, functional, and spatial information, amino acid conservation, physicochemical variation, residue mobility, and thermodynamic stability) indicates that this missense variant is not expected to disrupt POLE protein function with a negative predictive value of 80%. In summary, the available evidence is currently insufficient to determine the role of this variant in disease. Therefore, it has been classified as a Variant of Uncertain Significance.